The following is an entry in ClinVar:

NM_000069.3(CACNA1S):c.4544-10T>G

Gene: CACNA1S (calcium voltage-gated channel subunit alpha1 S; minus strand). Cytogenetic location: 1q32.1.
Variant type: single nucleotide variant.
Coding change: c.4544-10T>G on transcript NM_000069.3 (MANE Select); 10 bases into the intron before coding-DNA position 4544, T replaced by G.
Molecular consequence: intron variant.
Genome position (GRCh38, 1-based): chr1:201,047,249, A>C on the plus strand (T>G on the coding strand, the complement: CACNA1S is on the minus strand). VCF-style: chr1-201047249-A-C. GRCh37 (hg19) VCF-style: chr1-201016377-A-C.
Identifiers: ClinVar variation 4999871 (VCV004999871.1).

ClinVar aggregate classification (germline): Uncertain significance (1 of 4 stars; one submission).

Conditions:
CACNA1S-related disorder. Also called: CACNA1S-related condition.

Submission:

PreventionGenetics, part of Exact Sciences
Classification: Uncertain significance for CACNA1S-related condition. Last evaluated: 2025-03-20. Review status: criteria provided, single submitter. Criteria: ACMG Guidelines, 2015. Collection method: clinical testing. Allele origin: germline.
Comment: The CACNA1S c.4544-10T>G variant is predicted to interfere with splicing. To our knowledge, this variant has not been reported in the literature or in a large population database (gnomAD), indicating this variant is rare. This variant is predicted to impact splicing based on splicing prediction programs (SpliceAI, Jaganathan K, et al. 2019. PubMed ID: 30661751). However, the use of computer prediction programs is not equivalent to functional evidence, and therefore the clinical significance of this variant is uncertain.